The following is an entry in ClinVar:

NM_001852.4(COL9A2):c.7G>A (p.Ala3Thr)

Gene: COL9A2 (collagen type IX alpha 2 chain; minus strand). Cytogenetic location: 1p34.2.
Variant type: single nucleotide variant.
Coding change: c.7G>A on transcript NM_001852.4 (MANE Select); coding-DNA position 7, G replaced by A.
Protein change: p.Ala3Thr; replaces alanine 3 with threonine.
Molecular consequence: missense variant.
Genome position (GRCh38, 1-based): chr1:40,317,191, C>T on the plus strand (G>A on the coding strand, the complement: COL9A2 is on the minus strand). VCF-style: chr1-40317191-C-T. GRCh37 (hg19) VCF-style: chr1-40782863-C-T.
Other names: c.7G>A (NM_001852.3); short protein forms A3T.
Identifiers: ClinVar variation 1468152 (VCV001468152.8), dbSNP rs200744276, ClinGen allele CA792140.

ClinVar aggregate classification (germline): Uncertain significance. Review status: criteria provided, multiple submitters, no conflicts (2 of 4 stars). 3 submissions from 3 submitters: Uncertain significance (3). Last evaluated 2025-10-15.

Conditions:
COL9A2-related disorder. Also called: COL9A2-related condition.

Allele frequency attached by ClinVar (database versions not stated): gnomAD exomes 0.00001 and 0.00006; gnomAD 0.00011; TOPMed 0.00012; ExAC 0.00021; 1000 Genomes Project 30x 0.00031; ESP Exome Variant Server 0.00039; 1000 Genomes Project 0.00040.
gnomAD v4.1: 38 of 1,578,772 alleles (0.0024%); highest among the groups gnomAD compares: African/African-American, 0.043%; no homozygotes.

Submissions (3):

Labcorp Genetics (formerly Invitae), Labcorp
Classification: Uncertain significance. Last evaluated: 2025-10-15. Review status: criteria provided, single submitter. Criteria: Invitae Variant Classification Sherloc (09022015). Collection method: clinical testing. Allele origin: germline.
Comment: This sequence change replaces alanine, which is neutral and non-polar, with threonine, which is neutral and polar, at codon 3 of the COL9A2 protein (p.Ala3Thr). The frequency data for this variant in the population databases is considered unreliable, as metrics indicate poor data quality at this position in the gnomAD database. This variant has not been reported in the literature in individuals affected with COL9A2-related conditions. ClinVar contains an entry for this variant (Variation ID: 1468152). Invitae Evidence Modeling of protein sequence and biophysical properties (such as structural, functional, and spatial information, amino acid conservation, physicochemical variation, residue mobility, and thermodynamic stability) indicates that this missense variant is not expected to disrupt COL9A2 protein function with a negative predictive value of 95%. In summary, the available evidence is currently insufficient to determine the role of this variant in disease. Therefore, it has been classified as a Variant of Uncertain Significance.

PreventionGenetics, part of Exact Sciences
Classification: Uncertain significance for COL9A2-related condition. Last evaluated: 2024-11-21. Review status: criteria provided, single submitter. Criteria: ACMG Guidelines, 2015. Collection method: clinical testing. Allele origin: germline.
Comment: The COL9A2 c.7G>A variant is predicted to result in the amino acid substitution p.Ala3Thr. To our knowledge, this variant has not been reported in the literature. This variant is reported in 0.078% of alleles in individuals of African descent in gnomAD. Although we suspect that this variant may be benign, at this time, the clinical significance of this variant is uncertain due to the absence of conclusive functional and genetic evidence.

GeneDx
Classification: Uncertain significance. Last evaluated: 2024-03-11. Review status: criteria provided, single submitter. Criteria: GeneDx Variant Classification Process June 2021. Collection method: clinical testing. Allele origin: germline. Affected: yes.
Comment: Has not been previously published as pathogenic or benign to our knowledge; In silico analysis supports that this missense variant does not alter protein structure/function